The following is an entry in ClinVar:

ClinVar aggregate classification (germline): Uncertain significance. Review status: criteria provided, multiple submitters, no conflicts (2 of 4 stars). 2 submissions from 2 submitters: Uncertain significance (2). Last evaluated 2025-06-14.

Conditions:
Charcot-Marie-Tooth disease type 2. Also called: Charcot-Marie-Tooth type 2. Identifiers: Orphanet 64746, MedGen C0270914, MONDO:0018993.

Submissions (2):

Ambry Genetics
Classification: Uncertain significance. Last evaluated: 2025-06-14. Review status: criteria provided, single submitter. Criteria: Ambry Variant Classification Scheme 2023. Collection method: clinical testing. Allele origin: germline.
Comment: The p.I118V variant (also known as c.352A>G), located in coding exon 3 of the KIF1B gene, results from an A to G substitution at nucleotide position 352. The isoleucine at codon 118 is replaced by valine, an amino acid with highly similar properties. This amino acid position is conserved. In addition, the in silico prediction for this alteration is inconclusive. Since supporting evidence is limited at this time, the clinical significance of this alteration remains unclear.

Labcorp Genetics (formerly Invitae), Labcorp
Classification: Uncertain significance for Charcot-Marie-Tooth disease type 2. Last evaluated: 2024-03-10. Review status: criteria provided, single submitter. Criteria: Invitae Variant Classification Sherloc (09022015). Collection method: clinical testing. Allele origin: germline.
Comment: This sequence change replaces isoleucine, which is neutral and non-polar, with valine, which is neutral and non-polar, at codon 118 of the KIF1B protein (p.Ile118Val). This variant is not present in population databases (gnomAD no frequency). This variant has not been reported in the literature in individuals affected with KIF1B-related conditions. Advanced modeling of protein sequence and biophysical properties (such as structural, functional, and spatial information, amino acid conservation, physicochemical variation, residue mobility, and thermodynamic stability) performed at Invitae indicates that this missense variant is not expected to disrupt KIF1B protein function with a negative predictive value of 80%. In summary, the available evidence is currently insufficient to determine the role of this variant in disease. Therefore, it has been classified as a Variant of Uncertain Significance.

NM_001365951.3(KIF1B):c.352A>G (p.Ile118Val)

Gene: KIF1B (kinesin family member 1B; plus strand). Cytogenetic location: 1p36.22.
Variant type: single nucleotide variant.
Coding change: c.352A>G on transcript NM_001365951.3 (MANE Select); coding-DNA position 352, A replaced by G.
Protein change: p.Ile118Val; replaces isoleucine 118 with valine.
Molecular consequence: missense variant.
Genome position (GRCh38, 1-based): chr1:10,258,661, A>G. VCF-style: chr1-10258661-A-G. GRCh37 (hg19) VCF-style: chr1-10318719-A-G.
Other names: c.352A>G, p.Ile118Val (NM_001365952.1, NM_001365953.1, NM_015074.3 and 1 more transcripts); short protein forms I118V.
Identifiers: ClinVar variation 2988831 (VCV002988831.5), dbSNP rs2523465995, ClinGen allele CA338325739.